The following is an entry in ClinVar:

NM_182914.3(SYNE2):c.13705_13706delinsTT (p.Glu4569Leu)

Gene: SYNE2 (spectrin repeat containing nuclear envelope protein 2; plus strand). Cytogenetic location: 14q23.2.
Variant type: Indel.
Coding change: c.13705_13706delinsTT on transcript NM_182914.3 (MANE Select); coding-DNA positions 13705 to 13706, GA replaced by TT.
Protein change: p.Glu4569Leu; replaces glutamic acid 4569 with leucine.
Molecular consequence: missense variant.
Genome position (GRCh38, 1-based): chr14:64,126,477-64,126,478, GA replaced by TT. VCF-style: chr14-64126477-GA-TT. GRCh37 (hg19) VCF-style: chr14-64593195-GA-TT.
Other names: c.13705_13706delinsTT, p.Glu4569Leu (NM_015180.6); short protein forms E4569L.
Identifiers: ClinVar variation 1396792 (VCV001396792.6), dbSNP rs2153672414, ClinGen allele CA2573150014.

ClinVar aggregate classification (germline): Uncertain significance (1 of 4 stars; one submission).

Conditions:
Emery-Dreifuss muscular dystrophy 5, autosomal dominant (EDMD5). Also called: EMERY-DREIFUSS MUSCULAR DYSTROPHY 5. Identifiers: Orphanet 261, MedGen C2751805, MONDO:0013072, OMIM 612999.

Submission:

Labcorp Genetics (formerly Invitae), Labcorp
Classification: Uncertain significance for Emery-Dreifuss muscular dystrophy 5, autosomal dominant. Last evaluated: 2023-10-07. Review status: criteria provided, single submitter. Criteria: Invitae Variant Classification Sherloc (09022015). Collection method: clinical testing. Allele origin: germline.
Comment: This sequence change replaces glutamic acid, which is acidic and polar, with leucine, which is neutral and non-polar, at codon 4569 of the SYNE2 protein (p.Glu4569Leu). This variant is present in population databases (no rsID available, gnomAD 0.0007%). This variant has not been reported in the literature in individuals affected with SYNE2-related conditions. ClinVar contains an entry for this variant (Variation ID: 1396792). An algorithm developed to predict the effect of missense changes on protein structure and function (PolyPhen-2) suggests that this variant is likely to be disruptive. In summary, the available evidence is currently insufficient to determine the role of this variant in disease. Therefore, it has been classified as a Variant of Uncertain Significance.